The following is an entry in ClinVar:

NM_001042492.3(NF1):c.3408dup (p.Arg1137fs)

Gene: NF1 (neurofibromin 1; plus strand). Cytogenetic location: 17q11.2.
Variant type: Duplication.
Coding change: c.3408dup on transcript NM_001042492.3 (MANE Select); coding-DNA position 3408, one base duplicated (G; older notation c.3408dupG).
Protein change: p.Arg1137fs; shifts the reading frame from arginine 1137.
Molecular consequence: frameshift variant.
Genome position (GRCh38, 1-based): chr17:31,232,793, G duplicated; the last of 2 consecutive G bases (chr17:31,232,792-31,232,793); duplicating either gives the same sequence. VCF-style (leftmost placement, unchanged base first): chr17-31232791-C-CG. GRCh37 (hg19) VCF-style: chr17-29559809-C-CG.
Other names: c.3408dup, p.Arg1137Glufs (NM_000267.4); short protein forms R1137fs.
Identifiers: ClinVar variation 2768558 (VCV002768558.3), dbSNP rs2508231998, ClinGen allele CA2697559789.

ClinVar aggregate classification (germline): Pathogenic (1 of 4 stars; one submission).

Conditions:
Neurofibromatosis, type 1 (NF1). Also called: VON RECKLINGHAUSEN DISEASE; Neurofibromatosis, type I; NEUROFIBROMATOSIS, TYPE I, SOMATIC; Peripheral type neurofibromatosis. Identifiers: Orphanet 636, MedGen C0027831, MONDO:0018975, OMIM 162200. Disease mechanism: loss of function.

Submission:

Labcorp Genetics (formerly Invitae), Labcorp
Classification: Pathogenic for Neurofibromatosis, type 1. Last evaluated: 2023-10-26. Review status: criteria provided, single submitter. Criteria: Invitae Variant Classification Sherloc (09022015). Collection method: clinical testing. Allele origin: germline.
Comment: This sequence change creates a premature translational stop signal (p.Arg1137Glufs*58) in the NF1 gene. It is expected to result in an absent or disrupted protein product. Loss-of-function variants in NF1 are known to be pathogenic (PMID: 10712197, 23913538). This variant is not present in population databases (gnomAD no frequency). This variant has not been reported in the literature in individuals affected with NF1-related conditions. For these reasons, this variant has been classified as Pathogenic.

Literature cited by the submitters: PubMed 10712197; PubMed 23913538.